The following is an entry in ClinVar:

NM_001017980.4(VMA21):c.182A>G (p.Asn61Ser)

Gene: VMA21 (vacuolar ATPase assembly factor VMA21; plus strand). Cytogenetic location: Xq28.
Variant type: single nucleotide variant.
Coding change: c.182A>G on transcript NM_001017980.4 (MANE Select); coding-DNA position 182, A replaced by G.
Protein change: p.Asn61Ser; replaces asparagine 61 with serine.
Molecular consequence: missense variant.
Genome position (GRCh38, 1-based): chrX:151,404,934, A>G. VCF-style: chrX-151404934-A-G. GRCh37 (hg19) VCF-style: chrX-150573406-A-G.
Other names: c.347A>G, p.Asn116Ser (NM_001363810.1); short protein forms N61S, N116S.
Identifiers: ClinVar variation 464819 (VCV000464819.15), dbSNP rs141926826, ClinGen allele CA10540581.

ClinVar aggregate classification (germline): Benign. Review status: criteria provided, single submitter (1 of 4 stars). 2 submissions from 2 submitters: Benign (1). 1 of the submissions does not count toward it. Last evaluated 2026-01-26.

Conditions:
VMA21-related disorder. Also called: VMA21-related condition.
X-linked myopathy with excessive autophagy (AVM). Also called: Vacuolar myopathy; Autophagic vacuolar myopathy. Identifiers: Orphanet 25980, MedGen C1839615, MONDO:0010684, OMIM 310440.

Allele frequency attached by ClinVar (database versions not stated): gnomAD exomes 0.00054; ExAC 0.00066; 1000 Genomes Project 30x 0.00083; 1000 Genomes Project 0.00106; gnomAD 0.00191 and 0.00208; TOPMed 0.00250; ESP Exome Variant Server 0.00256.
gnomAD v4.1: 445 of 1,208,466 alleles (0.037%); highest among the groups gnomAD compares: African/African-American, 0.59%; no homozygotes.

Submissions (2):

Labcorp Genetics (formerly Invitae), Labcorp
Classification: Benign for X-linked myopathy with excessive autophagy. Last evaluated: 2026-01-26. Review status: criteria provided, single submitter. Criteria: Invitae Variant Classification Sherloc (09022015). Collection method: clinical testing. Allele origin: germline.

PreventionGenetics, part of Exact Sciences
Classification: Benign for VMA21-related condition. Last evaluated: 2019-12-16. Review status: no assertion criteria provided. Collection method: clinical testing. Allele origin: germline. Not counted in ClinVar's aggregate classification.
Comment: This variant is classified as benign based on ACMG/AMP sequence variant interpretation guidelines (Richards et al. 2015 PMID: 25741868, with internal and published modifications).